The following is an entry in ClinVar:

ClinVar aggregate classification (germline): Uncertain significance (1 of 4 stars; one submission).

Conditions:
Familial temporal lobe epilepsy 7. Identifiers: Orphanet 101046, MedGen C4225327, MONDO:0014639, OMIM 616436.
Norman-Roberts syndrome (LIS2). Also called: Lissencephaly 2 (Norman-Roberts type). Identifiers: Orphanet 89844, MedGen C0796089, MONDO:0009760, OMIM 257320.

Submission:

Labcorp Genetics (formerly Invitae), Labcorp
Classification: Uncertain significance for Familial temporal lobe epilepsy 7; Norman-Roberts syndrome. Last evaluated: 2020-09-25. Review status: criteria provided, single submitter. Criteria: Invitae Variant Classification Sherloc (09022015). Collection method: clinical testing. Allele origin: germline.
Comment: This sequence change replaces asparagine with lysine at codon 488 of the RELN protein (p.Asn488Lys). The asparagine residue is weakly conserved and there is a moderate physicochemical difference between asparagine and lysine. This variant is not present in population databases (ExAC no frequency). This variant has not been reported in the literature in individuals with RELN-related conditions. Algorithms developed to predict the effect of missense changes on protein structure and function (SIFT, PolyPhen-2, Align-GVGD) all suggest that this variant is likely to be tolerated, but these predictions have not been confirmed by published functional studies and their clinical significance is uncertain. In summary, the available evidence is currently insufficient to determine the role of this variant in disease. Therefore, it has been classified as a Variant of Uncertain Significance.

NM_005045.4(RELN):c.1464T>G (p.Asn488Lys)

Gene: RELN (reelin; minus strand). Cytogenetic location: 7q22.1.
Variant type: single nucleotide variant.
Coding change: c.1464T>G on transcript NM_005045.4 (MANE Select); coding-DNA position 1464, T replaced by G.
Protein change: p.Asn488Lys; replaces asparagine 488 with lysine.
Molecular consequence: missense variant.
Genome position (GRCh38, 1-based): chr7:103,654,183, A>C on the plus strand (T>G on the coding strand, the complement: RELN is on the minus strand). VCF-style: chr7-103654183-A-C. GRCh37 (hg19) VCF-style: chr7-103294630-A-C.
Other names: c.1464T>G, p.Asn488Lys (NM_173054.3); short protein forms N488K.
Identifiers: ClinVar variation 1014417 (VCV001014417.8), dbSNP rs1832980117, ClinGen allele CA368767013.